The following is an entry in ClinVar:

ClinVar aggregate classification (germline): Pathogenic. Review status: criteria provided, multiple submitters, no conflicts (2 of 4 stars). 2 submissions from 2 submitters: Pathogenic (2). Last evaluated 2024-04-08.

Conditions:
Episodic ataxia type 2 (EA2). Also called: CEREBELLAR ATAXIA, PAROXYSMAL, ACETAZOLAMIDE-RESPONSIVE; CEREBELLOPATHY, HEREDITARY PAROXYSMAL; EPISODIC ATAXIA, NYSTAGMUS-ASSOCIATED; ACETAZOLAMIDE-RESPONSIVE HEREDITARY PAROXYSMAL CEREBELLAR ATAXIA; ATAXIA, EPISODIC, WITH NYSTAGMUS; ATAXIA, FAMILIAL PAROXYSMAL. Identifiers: Orphanet 97, MedGen C1720416, MONDO:0007163, OMIM 108500.
Developmental and epileptic encephalopathy, 42 (DEE42A). Also called: Epileptic encephalopathy, early infantile, 42; DEVELOPMENTAL AND EPILEPTIC ENCEPHALOPATHY 42A; EPILEPTIC ENCEPHALOPATHY, EARLY INFANTILE, 42A. Identifiers: MedGen C4310716, MONDO:0014917, OMIM 617106.
CACNA1A-related disorder. Also called: CACNA1A-related condition.

Submissions (2):

Labcorp Genetics (formerly Invitae), Labcorp
Classification: Pathogenic for Developmental and epileptic encephalopathy, 42; Episodic ataxia type 2. Last evaluated: 2024-04-08. Review status: criteria provided, single submitter. Criteria: Invitae Variant Classification Sherloc (09022015). Collection method: clinical testing. Allele origin: germline.
Comment: This sequence change falls in intron 41 of the CACNA1A gene. It does not directly change the encoded amino acid sequence of the CACNA1A protein. It affects a nucleotide within the consensus splice site. This variant is not present in population databases (gnomAD no frequency). This variant has been observed in individuals with CACNA1A-related conditions (PMID: 9005860, 15622542; Invitae). It has also been observed to segregate with disease in related individuals. This variant is also known as IVS41+(3–6) DEL GAGT. ClinVar contains an entry for this variant (Variation ID: 1435379). Variants that disrupt the consensus splice site are a relatively common cause of aberrant splicing (PMID: 17576681, 9536098). Studies have shown that this variant alters mRNA splicing and is expected to lead to the loss of protein expression (PMID: 15622542). For these reasons, this variant has been classified as Pathogenic.

Blueprint Genetics
Classification: Pathogenic for CACNA1A-related disorders. Last evaluated: 2023-10-19. Review status: criteria provided, single submitter. Criteria: ACMG Guidelines, 2015. Collection method: clinical testing. Allele origin: germline. Affected: yes. Observed: 1 variant allele.

Literature cited by the submitters: PubMed 9005860 (cited by Labcorp Genetics (formerly Invitae), Labcorp); PubMed 15622542 (cited by Labcorp Genetics (formerly Invitae), Labcorp); PubMed 17576681 (cited by Labcorp Genetics (formerly Invitae), Labcorp); PubMed 9536098 (cited by Labcorp Genetics (formerly Invitae), Labcorp).

NM_001127222.2(CACNA1A):c.6050+4_6050+7del

Gene: CACNA1A (calcium voltage-gated channel subunit alpha1 A; minus strand). Cytogenetic location: 19p13.13.
Variant type: Deletion.
Coding change: c.6050+4_6050+7del on transcript NM_001127222.2 (MANE Select); bases 4 to 7 of the intron after coding-DNA position 6050, 4 bases deleted (AGTG; older notation c.6050+4_6050+7delAGTG).
Molecular consequence: splice donor variant.
Genome position (GRCh38, 1-based): chr19:13,212,624-13,212,627, CACT deleted on the plus strand (AGTG on the coding strand, the reverse complement: CACNA1A is on the minus strand); deleting any 4 consecutive bases within chr19:13,212,624-13,212,630 gives the same sequence; the c. name uses the placement nearest the transcript's 3' end. VCF-style (leftmost placement, unchanged base first): chr19-13212623-ACACT-A. GRCh37 (hg19) VCF-style: chr19-13323437-ACACT-A.
Other names: c.6053+4_6053+7del (NM_001127221.2); c.6059+4_6059+7del (NM_001174080.2); c.6068+4_6068+7del (NM_000068.4, NM_023035.3).
Identifiers: ClinVar variation 1435379 (VCV001435379.7), dbSNP rs2054856814, ClinGen allele CA993704845.